The following is an entry in ClinVar:

NM_000051.4(ATM):c.3404_3428delinsTTGAATGAAAT (p.Ser1135_Thr1143delinsPheGluTer)

Gene: ATM (ATM serine/threonine kinase; plus strand). Cytogenetic location: 11q22.3.
Variant type: Indel.
Coding change: c.3404_3428delinsTTGAATGAAAT on transcript NM_000051.4 (MANE Select); coding-DNA positions 3404 to 3428, CCCATAGTGCTGAGAACCCTGAAAC replaced by TTGAATGAAAT.
Protein change: p.Ser1135_Thr1143delinsPheGluTer.
Molecular consequence: nonsense.
Genome position (GRCh38, 1-based): chr11:108,280,996-108,281,020, CCCATAGTGCTGAGAACCCTGAAAC replaced by TTGAATGAAAT. GRCh37 (hg19): chr11:108,151,723-108,151,747.
Other names: c.3404_3428delinsTTGAATGAAAT, p.Ser1135_Thr1143delinsPheGluTer (NM_001351834.2).
Identifiers: ClinVar variation 823735 (VCV000823735.5), dbSNP rs1591636185, ClinGen allele CA915944396.

ClinVar aggregate classification (germline): Pathogenic/Likely pathogenic. Review status: criteria provided, multiple submitters, no conflicts (2 of 4 stars). 2 submissions from 2 submitters: Pathogenic (1); Likely pathogenic (1). Last evaluated 2023-05-10.

Conditions:
Hereditary cancer-predisposing syndrome. Also called: Neoplastic Syndromes, Hereditary; Tumor predisposition; Hereditary neoplastic syndrome; Hereditary Cancer Syndrome. Identifiers: Orphanet 140162, MedGen C0027672, MeSH D009386, MONDO:0015356.
Familial cancer of breast. Also called: BREAST CANCER, FAMILIAL; Hereditary breast cancer; hereditary breast carcinoma. Identifiers: Orphanet 227535, MedGen C0346153, MONDO:0016419, OMIM 114480. Disease mechanism: loss of function.

Submissions (2):

Baylor Genetics
Classification: Likely pathogenic for Familial cancer of breast. Last evaluated: 2023-05-10. Review status: criteria provided, single submitter. Criteria: ACMG Guidelines, 2015. Collection method: clinical testing. Allele origin: unknown.

Ambry Genetics
Classification: Pathogenic for Hereditary cancer-predisposing syndrome. Last evaluated: 2018-11-07. Review status: criteria provided, single submitter. Criteria: Ambry Variant Classification Scheme 2023. Collection method: clinical testing. Allele origin: germline.
Comment: The c.3404_3428del25ins11 variant (also known as c.3404_3428del25insTTGAATGAAAT), located in coding exon 23 of the ATM gene, results from the deletion of 25 nucleotides and insertion of 11 nucleotides causing a translational frameshift with a predicted alternate stop codon (p.S1135Ffs*3). This alteration is expected to result in loss of function by premature protein truncation or nonsense-mediated mRNA decay. As such, this alteration is interpreted as a disease-causing mutation.